The following is an entry in ClinVar:

ClinVar aggregate classification (germline): Uncertain significance (1 of 4 stars; one submission).

Conditions:
Pierpont syndrome (PRPTS). Identifiers: Orphanet 487825, MedGen C1865644, MONDO:0011213, OMIM 602342.

Submission:

Labcorp Genetics (formerly Invitae), Labcorp
Classification: Uncertain significance for Pierpont syndrome. Last evaluated: 2025-12-21. Review status: criteria provided, single submitter. Criteria: Invitae Variant Classification Sherloc (09022015). Collection method: clinical testing. Allele origin: germline.
Comment: This sequence change replaces aspartic acid, which is acidic and polar, with glycine, which is neutral and non-polar, at codon 90 of the TBL1XR1 protein (p.Asp90Gly). This variant is not present in population databases (gnomAD no frequency). This variant has not been reported in the literature in individuals affected with TBL1XR1-related conditions. Invitae Evidence Modeling of protein sequence and biophysical properties (such as structural, functional, and spatial information, amino acid conservation, physicochemical variation, residue mobility, and thermodynamic stability) indicates that this missense variant is expected to disrupt TBL1XR1 protein function with a positive predictive value of 95%. In summary, the available evidence is currently insufficient to determine the role of this variant in disease. Therefore, it has been classified as a Variant of Uncertain Significance.

NM_024665.7(TBL1XR1):c.269A>G (p.Asp90Gly)

Gene: TBL1XR1 (TBL1X/Y related 1; minus strand). Cytogenetic location: 3q26.32.
Variant type: single nucleotide variant.
Coding change: c.269A>G on transcript NM_024665.7 (MANE Select); coding-DNA position 269, A replaced by G.
Protein change: p.Asp90Gly; replaces aspartic acid 90 with glycine.
Molecular consequence: missense variant.
Genome position (GRCh38, 1-based): chr3:177,051,662, T>C on the plus strand (A>G on the coding strand, the complement: TBL1XR1 is on the minus strand). VCF-style: chr3-177051662-T-C. GRCh37 (hg19) VCF-style: chr3-176769450-T-C.
Other names: c.269A>G, p.Asp90Gly (NM_001321193.3, NM_001321194.3, NM_001374327.1 and 2 more transcripts); c.8A>G, p.Asp3Gly (NM_001321195.3, NM_001374330.1); short protein forms D3G, D90G.
Identifiers: ClinVar variation 4801770 (VCV004801770.1).